The following is an entry in ClinVar:

NM_007192.4(SUPT16H):c.956-1G>A

Gene: SUPT16H (SPT16 homolog, facilitates chromatin remodeling subunit; minus strand). Cytogenetic location: 14q11.2.
Variant type: single nucleotide variant.
Coding change: c.956-1G>A on transcript NM_007192.4 (MANE Select); the canonical splice acceptor site of the intron before coding-DNA position 956, G replaced by A.
Molecular consequence: splice acceptor variant.
Genome position (GRCh38, 1-based): chr14:21,366,530, C>T on the plus strand (G>A on the coding strand, the complement: SUPT16H is on the minus strand). VCF-style: chr14-21366530-C-T. GRCh37 (hg19) VCF-style: chr14-21834689-C-T.
Identifiers: ClinVar variation 545562 (VCV000545562.2), dbSNP rs1566388186, ClinGen allele CA388869167.

ClinVar aggregate classification (germline): Uncertain significance (0 of 4 stars; one submission).

Conditions:
Dextrocardia. Identifiers: Orphanet 1666, MedGen C0011813, MONDO:0015661, HP:0001651.
Conotruncal defect. Identifiers: MedGen C1853238, HP:0001710.

Submission:

Lupski Lab, Baylor-Hopkins CMG, Baylor College of Medicine
Classification: Uncertain significance for Dextrocardia; Conotruncal defect. Last evaluated: 2018-05-28. Review status: no assertion criteria provided. Collection method: research. Allele origin: germline. Affected: yes. Observed: 1 variant allele.
Comment: This gene has not been previously associated with human disease.